The following is an entry in ClinVar:

ClinVar aggregate classification (germline): Benign/Likely benign. Review status: criteria provided, multiple submitters, no conflicts (2 of 4 stars). 9 submissions from 9 submitters: Benign (6); Likely benign (1). 2 of the submissions do not count toward it. Last evaluated 2026-02-04.

Conditions:
Primary ciliary dyskinesia. Also called: Ciliary dyskinesia. Identifiers: Orphanet 244, MedGen C0008780, MONDO:0016575, HP:0012265.
Primary ciliary dyskinesia 7. Also called: CILIARY DYSKINESIA, PRIMARY, 7, WITH OR WITHOUT SITUS INVERSUS. Identifiers: Orphanet 244, MedGen C2678473, MONDO:0012748, OMIM 611884.

Allele frequency attached by ClinVar (database versions not stated): 1000 Genomes Project 0.75379; 1000 Genomes Project 30x 0.75578; gnomAD exomes 0.77238; TOPMed 0.77590; ExAC 0.78468; gnomAD 0.78530 and 0.78845; ESP Exome Variant Server 0.80067.
gnomAD v4.1: 1,281,578 of 1,583,142 alleles (81%); highest among the groups gnomAD compares: Non-Finnish European, 83%; 521,196 homozygotes.

Submissions (9):

Labcorp Genetics (formerly Invitae), Labcorp
Classification: Benign for Primary ciliary dyskinesia. Last evaluated: 2026-02-04. Review status: criteria provided, single submitter. Criteria: Invitae Variant Classification Sherloc (09022015). Collection method: clinical testing. Allele origin: germline.

Blueprint Genetics
Classification: Likely benign. Last evaluated: 2024-11-27. Review status: criteria provided, single submitter. Criteria: ACMG Guidelines, 2015. Collection method: clinical testing. Allele origin: germline.

Mayo Clinic Laboratories, Mayo Clinic
Classification: Benign. Last evaluated: 2022-04-26. Review status: criteria provided, single submitter. Criteria: ACMG Guidelines, 2015. Collection method: clinical testing. Allele origin: germline. Observed: 200 variant alleles.

Genome-Nilou Lab
Classification: Benign for Primary ciliary dyskinesia 7. Last evaluated: 2021-07-30. Review status: criteria provided, single submitter. Criteria: ACMG Guidelines, 2015. Collection method: clinical testing. Allele origin: germline. Affected: no.

GeneDx
Classification: Benign. Last evaluated: 2018-11-10. Review status: criteria provided, single submitter. Criteria: GeneDx Variant Classification Process June 2021. Collection method: clinical testing. Allele origin: germline. Affected: yes.

Laboratory for Molecular Medicine, Mass General Brigham Personalized Medicine
Classification: Benign. Last evaluated: 2013-02-21. Review status: criteria provided, single submitter. Criteria: LMM Criteria. Collection method: clinical testing. Allele origin: germline. Observed: 99 variant alleles.
Comment: Gln1210Gln in exon 18 of DNAH11: This variant is not expected to have clinical s ignificance because it does not alter an amino acid residue and is not located w ithin the splice consensus sequence. It has been identified in 25.3% (958/3782) of African American chromosomes from a broad population by the NHLBI Exome Seque ncing Project (dbSNP rs3827657).

PreventionGenetics, part of Exact Sciences
Classification: Benign. Review status: criteria provided, single submitter. Criteria: ACMG Guidelines, 2015. Collection method: clinical testing. Allele origin: germline.

Clinical Genetics DNA and cytogenetics Diagnostics Lab, Erasmus MC, Erasmus Medical Center
Classification: Benign. Review status: no assertion criteria provided. Collection method: clinical testing. Allele origin: germline. Affected: yes. Study: VKGL Data-share Consensus. Not counted in ClinVar's aggregate classification.

Diagnostic Laboratory, Department of Genetics, University Medical Center Groningen
Classification: Benign. Review status: no assertion criteria provided. Collection method: clinical testing. Allele origin: germline. Affected: yes. Study: VKGL Data-share Consensus. Not counted in ClinVar's aggregate classification.

NM_001277115.2(DNAH11):c.3630G>A (p.Gln1210=)

Gene: DNAH11 (dynein axonemal heavy chain 11; plus strand). Cytogenetic location: 7p15.3.
Variant type: single nucleotide variant.
Coding change: c.3630G>A on transcript NM_001277115.2 (MANE Select); coding-DNA position 3630, G replaced by A.
Protein change: p.Gln1210=; no amino-acid change (glutamine 1210 retained).
Molecular consequence: synonymous variant.
Genome position (GRCh38, 1-based): chr7:21,601,600, G>A. VCF-style: chr7-21601600-G-A. GRCh37 (hg19) VCF-style: chr7-21641218-G-A.
Other names: p.Gln1210=.
Identifiers: ClinVar variation 163102 (VCV000163102.30), dbSNP rs3827657, ClinGen allele CA175715.